The following is an entry in ClinVar:

ClinVar aggregate classification (germline): Uncertain significance (1 of 4 stars; one submission).

Allele frequency attached by ClinVar (database versions not stated): gnomAD exomes 0.00001; ExAC 0.00002.
gnomAD v4.1: 11 of 1,603,910 alleles (0.00069%); highest among the groups gnomAD compares: East Asian, 0.022%; no homozygotes.

Submission:

Labcorp Genetics (formerly Invitae), Labcorp
Classification: Uncertain significance. Last evaluated: 2023-05-11. Review status: criteria provided, single submitter. Criteria: Invitae Variant Classification Sherloc (09022015). Collection method: clinical testing. Allele origin: germline.
Comment: In summary, the available evidence is currently insufficient to determine the role of this variant in disease. Therefore, it has been classified as a Variant of Uncertain Significance. An algorithm developed to predict the effect of missense changes on protein structure and function (PolyPhen-2) suggests that this variant is likely to be tolerated. This variant has not been reported in the literature in individuals affected with ERBIN-related conditions. This variant is present in population databases (rs758690896, gnomAD 0.02%). This sequence change replaces leucine, which is neutral and non-polar, with valine, which is neutral and non-polar, at codon 258 of the ERBIN protein (p.Leu258Val).

NM_001253697.2(ERBIN):c.772C>G (p.Leu258Val)

Gene: ERBIN (erbb2 interacting protein; plus strand). Cytogenetic location: 5q12.3.
Variant type: single nucleotide variant.
Coding change: c.772C>G on transcript NM_001253697.2 (MANE Select); coding-DNA position 772, C replaced by G.
Protein change: p.Leu258Val; replaces leucine 258 with valine.
Molecular consequence: missense variant.
Genome position (GRCh38, 1-based): chr5:66,024,405, C>G. VCF-style: chr5-66024405-C-G. GRCh37 (hg19) VCF-style: chr5-65320233-C-G.
Other names: c.772C>G, p.Leu258Val (NM_001006600.3, NM_001253698.2, NM_001253699.2 and 2 more transcripts); short protein forms L258V.
Identifiers: ClinVar variation 2969219 (VCV002969219.3), dbSNP rs758690896, ClinGen allele CA3286035.